The following is an entry in ClinVar:

ClinVar aggregate classification (germline): Pathogenic. Review status: criteria provided, multiple submitters, no conflicts (2 of 4 stars). 2 submissions from 2 submitters: Pathogenic (2). Last evaluated 2023-09-29.

Conditions:
Hereditary cancer-predisposing syndrome. Also called: Neoplastic Syndromes, Hereditary; Tumor predisposition; Hereditary neoplastic syndrome; Hereditary Cancer Syndrome. Identifiers: Orphanet 140162, MedGen C0027672, MeSH D009386, MONDO:0015356.

Allele frequency attached by ClinVar (database versions not stated): ExAC 0.00001; gnomAD exomes 0.00001.
gnomAD v4.1: 1 of 1,614,038 alleles (0.000062%); highest among the groups gnomAD compares: Non-Finnish European, 0.000085%; no homozygotes.

Submissions (2):

Ambry Genetics
Classification: Pathogenic for Hereditary cancer-predisposing syndrome. Last evaluated: 2023-09-29. Review status: criteria provided, single submitter. Criteria: Ambry Variant Classification Scheme 2023. Collection method: clinical testing. Allele origin: germline.
Comment: The p.Y1124* pathogenic mutation (also known as c.3372T>G), located in coding exon 21 of the RAD50 gene, results from a T to G substitution at nucleotide position 3372. This changes the amino acid from a tyrosine to a stop codon within coding exon 21. While this exact alteration has not been reported in the literature, a different alteration resulting in the same stop codon (c.3372T>A) has been reported in an individual diagnosed with ovarian cancer (Lilyquist J et al. Gynecol. Oncol., 2017 11;147:375-380). In addition to the clinical data presented in the literature, this alteration is expected to result in loss of function by premature protein truncation or nonsense-mediated mRNA decay. As such, this alteration is interpreted as a disease-causing mutation.

Labcorp Genetics (formerly Invitae), Labcorp
Classification: Pathogenic for Hereditary cancer-predisposing syndrome. Last evaluated: 2022-11-07. Review status: criteria provided, single submitter. Criteria: Invitae Variant Classification Sherloc (09022015). Collection method: clinical testing. Allele origin: germline.
Comment: For these reasons, this variant has been classified as Pathogenic. ClinVar contains an entry for this variant (Variation ID: 823679). This premature translational stop signal has been observed in individual(s) with breast cancer (PMID: 26689913). This variant is present in population databases (rs775069541, gnomAD 0.002%). This sequence change creates a premature translational stop signal (p.Tyr1124*) in the RAD50 gene. It is expected to result in an absent or disrupted protein product. Loss-of-function variants in RAD50 are known to be pathogenic (PMID: 19409520).

Literature cited by the submitters: PubMed 28888541 (cited by Ambry Genetics); PubMed 26689913 (cited by Labcorp Genetics (formerly Invitae), Labcorp); PubMed 19409520 (cited by Labcorp Genetics (formerly Invitae), Labcorp).

NM_005732.4(RAD50):c.3372T>G (p.Tyr1124Ter)

Gene: RAD50 (RAD50 double strand break repair protein; plus strand). Cytogenetic location: 5q31.1.
Variant type: single nucleotide variant.
Coding change: c.3372T>G on transcript NM_005732.4 (MANE Select); coding-DNA position 3372, T replaced by G.
Protein change: p.Tyr1124Ter; replaces tyrosine 1124 with a stop codon.
Molecular consequence: nonsense.
Genome position (GRCh38, 1-based): chr5:132,618,277, T>G. VCF-style: chr5-132618277-T-G. GRCh37 (hg19) VCF-style: chr5-131953969-T-G.
Other names: short protein forms Y1124*.
Identifiers: ClinVar variation 823679 (VCV000823679.7), dbSNP rs775069541, ClinGen allele CA3405561.